The following is an entry in ClinVar:

ClinVar aggregate classification (germline): Uncertain significance (1 of 4 stars; one submission).

Conditions:
Noonan syndrome 9 (NS9). Identifiers: Orphanet 648, MedGen C4225282, MONDO:0014691, OMIM 616559.

Submission:

Labcorp Genetics (formerly Invitae), Labcorp
Classification: Uncertain significance for Noonan syndrome 9. Last evaluated: 2025-10-25. Review status: criteria provided, single submitter. Criteria: Invitae Variant Classification Sherloc (09022015). Collection method: clinical testing. Allele origin: germline.
Comment: This sequence change falls in intron 12 of the SOS2 gene. It does not directly change the encoded amino acid sequence of the SOS2 protein. It affects a nucleotide within the consensus splice site. This variant is not present in population databases (gnomAD no frequency). This variant has not been reported in the literature in individuals affected with SOS2-related conditions. Variants that disrupt the consensus splice site are a relatively common cause of aberrant splicing (PMID: 17576681, 9536098). Algorithms developed to predict the effect of sequence changes on RNA splicing suggest that this variant is not likely to affect RNA splicing. In summary, the available evidence is currently insufficient to determine the role of this variant in disease. Therefore, it has been classified as a Variant of Uncertain Significance.

Literature cited by the submitters: PubMed 17576681; PubMed 9536098.

NM_006939.4(SOS2):c.2057+6G>A

Gene: SOS2 (SOS Ras/Rho guanine nucleotide exchange factor 2; minus strand). Cytogenetic location: 14q21.3.
Variant type: single nucleotide variant.
Coding change: c.2057+6G>A on transcript NM_006939.4 (MANE Select); 6 bases into the intron after coding-DNA position 2057, G replaced by A.
Molecular consequence: intron variant.
Genome position (GRCh38, 1-based): chr14:50,156,993, C>T on the plus strand (G>A on the coding strand, the complement: SOS2 is on the minus strand). VCF-style: chr14-50156993-C-T. GRCh37 (hg19) VCF-style: chr14-50623711-C-T.
Other names: c.1958+6G>A (NM_001411020.1).
Identifiers: ClinVar variation 4694632 (VCV004694632.1).